The following is an entry in ClinVar:

NC_000016.9:g.(89825114_89828356)_(89883056_?)del

Gene: FANCA (FA complementation group A; minus strand). Cytogenetic location: 16q24.3.
Variant type: Deletion.
Identifiers: ClinVar variation 4689236 (VCV004689236.1).

ClinVar aggregate classification (germline): Pathogenic (1 of 4 stars; one submission).

Conditions:
Fanconi anemia (FA). Also called: Fanconi's anemia. Identifiers: Orphanet 84, MedGen C0015625, MeSH D005199, MONDO:0019391.

Submission:

Women's Health and Genetics/Laboratory Corporation of America, LabCorp
Classification: Pathogenic for Fanconi anemia. Last evaluated: 2026-01-20. Review status: criteria provided, single submitter. Criteria: LabCorp Variant Classification Summary - May 2015. Collection method: clinical testing. Allele origin: germline.
Comment: Variant summary: The variant involves the deletion of exons 1-29 in the FANCA gene. The exact breakpoint at the 5' end of this variant is unknown, therefore this deletion may extend upstream of the annotated region of this gene. Although the exact breakpoints of this deletion are not known, it is predicted to remove the initiation codon and result in an absence of protein or a truncation of the encoded protein due to translation initiation at a downstream site. Loss-of-function variants in this gene are known to be pathogenic. A presumed nomenclature of c.(?_-33)_(2852+1_2853-1)del has been designated for the purposes of this classification. The variant was absent in 21690 control chromosomes. c.(?_-33)_(2852+1_2853-1)del has been observed in individual(s) affected with Fanconi Anemia (example: Chang_2023). To our knowledge, no experimental evidence demonstrating an impact on protein function has been reported. The following publication has been ascertained in the context of this evaluation (PMID: 36463940). ClinVar contains an entry for this variant (Variation ID: 832647). Based on the evidence outlined above, the variant was classified as pathogenic.

Literature cited by the submitters: PubMed 36463940.